The following is an entry in ClinVar:

NM_017780.4(CHD7):c.556A>G (p.Met186Val)

Gene: CHD7 (chromodomain helicase DNA binding protein 7; plus strand). Cytogenetic location: 8q12.2.
Variant type: single nucleotide variant.
Coding change: c.556A>G on transcript NM_017780.4 (MANE Select); coding-DNA position 556, A replaced by G.
Protein change: p.Met186Val; replaces methionine 186 with valine.
Molecular consequence: missense variant.
Genome position (GRCh38, 1-based): chr8:60,741,988, A>G. VCF-style: chr8-60741988-A-G. GRCh37 (hg19) VCF-style: chr8-61654547-A-G.
Other names: c.556A>G, p.Met186Val (NM_001316690.1); short protein forms M186V.
Identifiers: ClinVar variation 588614 (VCV000588614.5), dbSNP rs1320149797, ClinGen allele CA371297963.
Genomic context (GRCh38, chr8:60,741,988, plus strand): 5'-CAGCCGCAGCCACCGCAGCCGGCTCCGTCGGGGCCCCCTGCACAGGGCCACCCTCAGCAC[A>G]TGCAGCAGATGGGCAGCTATATGGCACGTGGGGATTTTTCCATGCAGCAGCATGGTCAGC-3'
Protein context (NP_060250.2, residues 176-196): GPPAQGHPQH[Met186Val]QQMGSYMARG

ClinVar aggregate classification (germline): Uncertain significance (1 of 4 stars; one submission).

Conditions:
Inborn genetic diseases. Identifiers: MedGen C0950123, MeSH D030342.

Allele frequency attached by ClinVar (database versions not stated): gnomAD exomes below 0.00001 and 0.00001; gnomAD 0.00001; TOPMed 0.00001.

Submission:

Ambry Genetics
Classification: Uncertain significance for Inborn genetic diseases. Last evaluated: 2016-12-29. Review status: criteria provided, single submitter. Criteria: Ambry Variant Classification Scheme 2023. Collection method: clinical testing. Allele origin: germline.
Comment: The p.M186V variant (also known as c.556A>G), located in coding exon 1 of the CHD7 gene, results from an A to G substitution at nucleotide position 556. The methionine at codon 186 is replaced by valine, an amino acid with highly similar properties. This amino acid position is well conserved in available vertebrate species. In addition, this alteration is predicted to be tolerated by in silico analysis. Since supporting evidence is limited at this time, the clinical significance of this alteration remains unclear.